The following is an entry in ClinVar:

ClinVar aggregate classification (germline): Pathogenic (1 of 4 stars; one submission).

Conditions:
Polycystic kidney disease, adult type (PKD1). Also called: Polycystic Kidney Disease 1, Autosomal Dominant; Polycystic kidney disease 1; Polycystic kidney disease 1, severe; POLYCYSTIC KIDNEY DISEASE, ADULT, TYPE I; Polycystic Kidney, Autosomal Dominant; POLYCYSTIC KIDNEY DISEASE 1 WITH OR WITHOUT POLYCYSTIC LIVER DISEASE. Identifiers: MedGen C3149841, MONDO:0008263, OMIM 173900.

Submission:

MVZ Medizinische Genetik Mainz
Classification: Pathogenic for Polycystic kidney disease, adult type. Last evaluated: 2024-05-13. Review status: criteria provided, single submitter. Criteria: UK Practice Guidelines For Variant Classification V4 01 2020. Collection method: clinical testing. Allele origin: germline. Inheritance: Autosomal dominant inheritance. Affected: yes. Observed: 1 variant allele.
Comment: ACMG Criteria: PVS1,PM2_SUP,PP4

NM_001009944.3(PKD1):c.5266G>T (p.Glu1756Ter)

Gene: PKD1 (polycystin 1, transient receptor potential channel interacting; minus strand). Cytogenetic location: 16p13.3.
Variant type: single nucleotide variant.
Coding change: c.5266G>T on transcript NM_001009944.3 (MANE Select); coding-DNA position 5266, G replaced by T.
Protein change: p.Glu1756Ter; replaces glutamic acid 1756 with a stop codon.
Molecular consequence: nonsense.
Genome position (GRCh38, 1-based): chr16:2,109,901, C>A on the plus strand (G>T on the coding strand, the complement: PKD1 is on the minus strand). VCF-style: chr16-2109901-C-A. GRCh37 (hg19) VCF-style: chr16-2159902-C-A.
Other names: c.5266G>T, p.Glu1756Ter (NM_000296.4); short protein forms E1756*.
Identifiers: ClinVar variation 3256635 (VCV003256635.1).